The following is an entry in ClinVar:

ClinVar aggregate classification (germline): Likely pathogenic (1 of 4 stars; one submission).

Conditions:
Cystinuria (CSNU). Also called: CYSTINURIA, TYPE I; CYSTINURIA, TYPE II; CYSTINURIA, TYPE III; Cystinuria, non-type I. Identifiers: Orphanet 214, MedGen C0010691, MONDO:0009067, OMIM 220100, HP:0003131.

Allele frequency attached by ClinVar (database versions not stated): gnomAD exomes below 0.00001; ExAC 0.00001; gnomAD 0.00001 and 0.00002; TOPMed 0.00001.
gnomAD v4.1: 16 of 1,614,038 alleles (0.00099%); highest among the groups gnomAD compares: Non-Finnish European, 0.0013%; no homozygotes.

Submission:

Labcorp Genetics (formerly Invitae), Labcorp
Classification: Likely pathogenic for Cystinuria. Last evaluated: 2018-12-31. Review status: criteria provided, single submitter. Criteria: Invitae Variant Classification Sherloc (09022015). Collection method: clinical testing. Allele origin: germline.
Comment: In summary, the currently available evidence indicates that the variant is pathogenic, but additional data are needed to prove that conclusively. Therefore, this variant has been classified as Likely Pathogenic. Algorithms developed to predict the effect of missense changes on protein structure and function are either unavailable or do not agree on the potential impact of this missense change (SIFT: "Deleterious"; PolyPhen-2: "Probably Damaging"; Align-GVGD: "Class C0"). This variant has been observed to segregate with cystinuria in a family (Invitae) and has been observed in multiple individuals affected with cystinuria (PMID: 7573036, Invitae). In at least one individual the data is consistent with the variant being in trans (on the opposite chromosome) from a pathogenic variant. This variant is present in population databases (rs776729515, ExAC 0.001%). This sequence change replaces tyrosine with histidine at codon 582 of the SLC3A1 protein (p.Tyr582His). The tyrosine residue is moderately conserved and there is a moderate physicochemical difference between tyrosine and histidine.

Literature cited by the submitters: PubMed 7573036.

NM_000341.4(SLC3A1):c.1744T>C (p.Tyr582His)

Genes: PREPL (prolyl endopeptidase like; minus strand), SLC3A1 (solute carrier family 3 member 1; plus strand). Cytogenetic location: 2p21.
Variant type: single nucleotide variant.
Coding change: c.1744T>C on transcript NM_000341.4 (MANE Select); coding-DNA position 1744, T replaced by C.
Protein change: p.Tyr582His; replaces tyrosine 582 with histidine.
Molecular consequence: missense variant. On other transcripts: 3 prime UTR variant (10).
Genome position (GRCh38, 1-based): chr2:44,320,325, T>C. VCF-style: chr2-44320325-T-C. GRCh37 (hg19) VCF-style: chr2-44547464-T-C.
Other names: c.*1031A>G (NM_001171606.2, NM_001171613.2, NM_001171617.1 and 7 more transcripts); short protein forms Y582H.
Identifiers: ClinVar variation 644169 (VCV000644169.8), dbSNP rs776729515, ClinGen allele CA1640749.